The following is an entry in ClinVar:

NM_000346.4(SOX9):c.1444G>A (p.Asp482Asn)

Gene: SOX9 (SRY-box transcription factor 9; plus strand). Cytogenetic location: 17q24.3.
Variant type: single nucleotide variant.
Coding change: c.1444G>A on transcript NM_000346.4 (MANE Select); coding-DNA position 1444, G replaced by A.
Protein change: p.Asp482Asn; replaces aspartic acid 482 with asparagine.
Molecular consequence: missense variant.
Genome position (GRCh38, 1-based): chr17:72,124,301, G>A. VCF-style: chr17-72124301-G-A. GRCh37 (hg19) VCF-style: chr17-70120442-G-A.
Other names: short protein forms D482N.
Identifiers: ClinVar variation 4982606 (VCV004982606.1).

ClinVar aggregate classification (germline): Uncertain significance (1 of 4 stars; one submission).

Conditions:
SOX9-related disorder. Also called: SOX9-related condition.

Submission:

PreventionGenetics, part of Exact Sciences
Classification: Uncertain significance for SOX9-related condition. Last evaluated: 2025-02-25. Review status: criteria provided, single submitter. Criteria: ACMG Guidelines, 2015. Collection method: clinical testing. Allele origin: germline.
Comment: The SOX9 c.1444G>A variant is predicted to result in the amino acid substitution p.Asp482Asn. To our knowledge, this variant has not been reported in the literature. This variant is reported in 0.0029% of alleles in individuals of Latino descent in gnomAD. At this time, the clinical significance of this variant is uncertain due to the absence of conclusive functional and genetic evidence.